The following is an entry in ClinVar:

ClinVar aggregate classification (germline): Uncertain significance (1 of 4 stars; one submission).

Conditions:
Joubert syndrome 25 (JBTS25). Identifiers: Orphanet 475, MedGen C4084842, MONDO:0014770, OMIM 616781.

Allele frequency attached by ClinVar (database versions not stated): gnomAD 0.00003; TOPMed 0.00003; ExAC 0.00008; gnomAD exomes 0.00008.
gnomAD v4.1: 59 of 1,614,128 alleles (0.0037%); highest among the groups gnomAD compares: Admixed American, 0.01%; 1 homozygote.

Submission:

Labcorp Genetics (formerly Invitae), Labcorp
Classification: Uncertain significance for Joubert syndrome 25. Last evaluated: 2022-10-17. Review status: criteria provided, single submitter. Criteria: Invitae Variant Classification Sherloc (09022015). Collection method: clinical testing. Allele origin: germline.
Comment: This sequence change replaces leucine, which is neutral and non-polar, with histidine, which is basic and polar, at codon 544 of the CEP104 protein (p.Leu544His). This variant is present in population databases (rs772547053, gnomAD 0.02%). This variant has not been reported in the literature in individuals affected with CEP104-related conditions. ClinVar contains an entry for this variant (Variation ID: 1369450). Algorithms developed to predict the effect of missense changes on protein structure and function (SIFT, PolyPhen-2, Align-GVGD) all suggest that this variant is likely to be tolerated. In summary, the available evidence is currently insufficient to determine the role of this variant in disease. Therefore, it has been classified as a Variant of Uncertain Significance.

NM_014704.4(CEP104):c.1631T>A (p.Leu544His)

Gene: CEP104 (centrosomal protein 104; minus strand). Cytogenetic location: 1p36.32.
Variant type: single nucleotide variant.
Coding change: c.1631T>A on transcript NM_014704.4 (MANE Select); coding-DNA position 1631, T replaced by A.
Protein change: p.Leu544His; replaces leucine 544 with histidine.
Molecular consequence: missense variant.
Genome position (GRCh38, 1-based): chr1:3,833,890, A>T on the plus strand (T>A on the coding strand, the complement: CEP104 is on the minus strand). VCF-style: chr1-3833890-A-T. GRCh37 (hg19) VCF-style: chr1-3750454-A-T.
Other names: short protein forms L544H.
Identifiers: ClinVar variation 1369450 (VCV001369450.5), dbSNP rs772547053, ClinGen allele CA551559.
Genomic context (GRCh38, chr1:3,833,890, plus strand): 5'-TACGGTTTCAAATGCCGTGGTGAAGTTCAGACCTGAATAAAATTTGCAGCTGTGACGCGG[A>T]GGCGGGCAGAAGAATCTCCAGTTCTGGTGAGCAAAACGGGAATGGTCCTCTCCACACAGT-3'
Protein context (NP_055519.1, residues 534-554): LTRTGDSSAR[Leu544His]RVTAANFIQE